The following is an entry in ClinVar:

ClinVar aggregate classification (germline): Uncertain significance (1 of 4 stars; one submission).

Conditions:
Evans syndrome, immunodeficiency, and premature immunosenescence associated with tripeptidyl-peptidase II deficiency. Identifiers: MedGen CN231723. Disease mechanism: loss of function.

Allele frequency attached by ClinVar (database versions not stated): gnomAD exomes 0.00001; ExAC 0.00002.

Submission:

Labcorp Genetics (formerly Invitae), Labcorp
Classification: Uncertain significance for Evans syndrome, immunodeficiency, and premature immunosenescence associated with tripeptidyl-peptidase II deficiency. Last evaluated: 2023-12-30. Review status: criteria provided, single submitter. Criteria: Invitae Variant Classification Sherloc (09022015). Collection method: clinical testing. Allele origin: germline.
Comment: This sequence change falls in intron 10 of the TPP2 gene. It does not directly change the encoded amino acid sequence of the TPP2 protein. This variant is present in population databases (rs773140026, gnomAD 0.007%). This variant has not been reported in the literature in individuals affected with TPP2-related conditions. Algorithms developed to predict the effect of sequence changes on RNA splicing suggest that this variant may disrupt the consensus splice site. In summary, the available evidence is currently insufficient to determine the role of this variant in disease. Therefore, it has been classified as a Variant of Uncertain Significance.

NM_001330588.2(TPP2):c.1245-16A>G

Gene: TPP2 (tripeptidyl peptidase 2; plus strand). Cytogenetic location: 13q33.1.
Variant type: single nucleotide variant.
Coding change: c.1245-16A>G on transcript NM_001330588.2 (MANE Select); 16 bases into the intron before coding-DNA position 1245, A replaced by G.
Molecular consequence: intron variant.
Genome position (GRCh38, 1-based): chr13:102,633,934, A>G. VCF-style: chr13-102633934-A-G. GRCh37 (hg19) VCF-style: chr13-103286284-A-G.
Other names: c.1245-16A>G (NM_001367947.1, NM_003291.4).
Identifiers: ClinVar variation 2761843 (VCV002761843.3), dbSNP rs773140026, ClinGen allele CA7037705.